The following is an entry in ClinVar:

NC_000001.10:g.(?_15764951)_(15773094_?)dup

Gene: CTRC (chymotrypsin C; plus strand). Cytogenetic location: 1p36.21.
Variant type: Duplication.
Identifiers: ClinVar variation 651815 (VCV000651815.1).

ClinVar aggregate classification (germline): Uncertain significance (1 of 4 stars; one submission).

Conditions:
Hereditary pancreatitis (PCTT). Also called: Hereditary chronic pancreatitis; PRSS1-Related Hereditary Pancreatitis. Identifiers: Orphanet 676, MedGen C0238339, MONDO:0008185, OMIM 167800.

Submission:

Labcorp Genetics (formerly Invitae), Labcorp
Classification: Uncertain significance for Hereditary pancreatitis. Last evaluated: 2018-09-06. Review status: criteria provided, single submitter. Criteria: Invitae Variant Classification Sherloc (09022015). Collection method: clinical testing. Allele origin: germline.
Comment: This variant results in a copy number gain of the genomic region encompassing the full coding sequence of the CTRC gene. The boundaries of this event are unknown as they extend beyond the assayed region for this gene and therefore may encompass additional genes. As the precise location of this event is unknown, it may be in tandem or it may be located elsewhere in the genome. This variant has not been reported in the literature in individuals with CTRC-related disease. In summary, the available evidence is currently insufficient to determine the role of this variant in disease. Therefore, it has been classified as a Variant of Uncertain Significance.